The following is an entry in ClinVar:

ClinVar aggregate classification (germline): Pathogenic (1 of 4 stars; one submission).

Allele frequency attached by ClinVar (database versions not stated): TOPMed 0.00002.

Submission:

Labcorp Genetics (formerly Invitae), Labcorp
Classification: Pathogenic. Last evaluated: 2019-11-28. Review status: criteria provided, single submitter. Criteria: Invitae Variant Classification Sherloc (09022015). Collection method: clinical testing. Allele origin: germline.
Comment: For these reasons, this variant has been classified as Pathogenic. This variant disrupts the C-terminus of the SLC12A3 protein. Other variant(s) that disrupt this region (p.Arg1018*) have been determined to be pathogenic (PMID: 12911530, 29942493, 26770037). This suggests that variants that disrupt this region of the protein are likely to be causative of disease. This variant has not been reported in the literature in individuals with SLC12A3-related conditions. This variant is not present in population databases (ExAC no frequency). This sequence change results in a premature translational stop signal in the SLC12A3 gene (p.Asp978Glufs*11). While this is not anticipated to result in nonsense mediated decay, it is expected to disrupt the last 53 amino acids of the SLC12A3 protein.

Literature cited by the submitters: PubMed 12911530; PubMed 29942493; PubMed 26770037.

NM_001126108.2(SLC12A3):c.2907del (p.Asp969fs)

Gene: SLC12A3 (solute carrier family 12 member 3; plus strand). Cytogenetic location: 16q13.
Variant type: Deletion.
Coding change: c.2907del on transcript NM_001126108.2 (MANE Select); coding-DNA position 2907, one base deleted (C; older notation c.2907delC).
Protein change: p.Asp969fs; shifts the reading frame from aspartic acid 969.
Molecular consequence: frameshift variant.
Genome position (GRCh38, 1-based): chr16:56,904,445, C deleted. VCF-style (leftmost placement, unchanged base first): chr16-56904444-AC-A. GRCh37 (hg19) VCF-style: chr16-56938356-AC-A.
Other names: c.2934del, p.Asp978fs (NM_000339.3); c.2931del, p.Asp977fs (NM_001126107.2); short protein forms D969fs, D977fs, D978fs.
Identifiers: ClinVar variation 863343 (VCV000863343.9), dbSNP rs1267515400, ClinGen allele CA721950747.